The following is an entry in ClinVar:

NM_021098.3(CACNA1H):c.718G>T (p.Val240Phe)

Gene: CACNA1H (calcium voltage-gated channel subunit alpha1 H; plus strand). Cytogenetic location: 16p13.3.
Variant type: single nucleotide variant.
Coding change: c.718G>T on transcript NM_021098.3 (MANE Select); coding-DNA position 718, G replaced by T.
Protein change: p.Val240Phe; replaces valine 240 with phenylalanine.
Molecular consequence: missense variant.
Genome position (GRCh38, 1-based): chr16:1,198,689, G>T. VCF-style: chr16-1198689-G-T. GRCh37 (hg19) VCF-style: chr16-1248689-G-T.
Other names: c.718G>T, p.Val240Phe (NM_001005407.2); short protein forms V240F.
Identifiers: ClinVar variation 3748994 (VCV003748994.4).
Genomic context (GRCh38, chr16:1,198,689, plus strand): 5'-GTCACTCTGCTGCTGGATACGCTGCCCATGCTCGGGAACGTCCTTCTGCTGTGCTTCTTC[G>T]TCTTCTTCATTTTCGGCATCGTTGGCGTCCAGCTCTGGGCTGGCCTCCTGCGGAACCGCT-3'
Protein context (NP_066921.2, residues 230-250): LGNVLLLCFF[Val240Phe]FFIFGIVGVQ

ClinVar aggregate classification (germline): Uncertain significance. Review status: criteria provided, multiple submitters, no conflicts (2 of 4 stars). 2 submissions from 2 submitters: Uncertain significance (2). Last evaluated 2024-12-07.

Conditions:
Idiopathic generalized epilepsy. Also called: Generalised epilepsy; EIG. Identifiers: MedGen C0270850, MONDO:0005579, OMIM 600669.
Hyperaldosteronism, familial, type IV (HALD4). Also called: FH IV; ALDOSTERONISM, PRIMARY, AND HYPERTENSION. Identifiers: Orphanet 642671, MedGen C4310756, MONDO:0014875, OMIM 617027.

gnomAD v4.1: 1 of 1,613,502 alleles (0.000062%); highest among the groups gnomAD compares: South Asian, 0.0011%; no homozygotes.

Submissions (3):

Labcorp Genetics (formerly Invitae), Labcorp
Classification: Uncertain significance for Idiopathic generalized epilepsy; Hyperaldosteronism, familial, type IV. Last evaluated: 2024-12-07. Review status: criteria provided, single submitter. Criteria: Invitae Variant Classification Sherloc (09022015). Collection method: clinical testing. Allele origin: germline.
Comment: This sequence change replaces valine, which is neutral and non-polar, with phenylalanine, which is neutral and non-polar, at codon 240 of the CACNA1H protein (p.Val240Phe). This variant is present in population databases (rs369630836, gnomAD 0.006%). This variant has not been reported in the literature in individuals affected with CACNA1H-related conditions. Invitae Evidence Modeling of protein sequence and biophysical properties (such as structural, functional, and spatial information, amino acid conservation, physicochemical variation, residue mobility, and thermodynamic stability) indicates that this missense variant is expected to disrupt CACNA1H protein function with a positive predictive value of 80%. In summary, the available evidence is currently insufficient to determine the role of this variant in disease. Therefore, it has been classified as a Variant of Uncertain Significance.

Blueprint Genetics
Classification: Uncertain significance. Last evaluated: 2024-05-15. Review status: criteria provided, single submitter. Criteria: ACMG Guidelines, 2015. Collection method: clinical testing. Allele origin: germline.

Dr. Peter K. Rogan Lab, Western University
No classification provided (evidence only). Condition: Malignant tumor of esophagus. Review status: no classification provided. Collection method: in vitro. Allele origin: not applicable. Functional consequence: retained intron. Not counted in ClinVar's aggregate classification.